The following is an entry in ClinVar:

NM_003001.5(SDHC):c.404T>C (p.Leu135Ser)

Gene: SDHC (succinate dehydrogenase complex subunit C; plus strand). Cytogenetic location: 1q23.3.
Variant type: single nucleotide variant.
Coding change: c.404T>C on transcript NM_003001.5 (MANE Select); coding-DNA position 404, T replaced by C.
Protein change: p.Leu135Ser; replaces leucine 135 with serine.
Molecular consequence: missense variant. On other transcripts: non-coding transcript variant (1), intron variant (3).
Genome position (GRCh38, 1-based): chr1:161,356,839, T>C. VCF-style: chr1-161356839-T-C. GRCh37 (hg19) VCF-style: chr1-161326629-T-C.
Other names: c.302T>C, p.Leu101Ser (NM_001035512.3); c.245T>C, p.Leu82Ser (NM_001035513.3); c.524T>C, p.Leu175Ser (NM_001407115.1); c.347T>C, p.Leu116Ser (NM_001407116.1); c.341T>C, p.Leu114Ser (NM_001407117.1); c.296T>C, p.Leu99Ser (NM_001407118.1); c.293T>C, p.Leu98Ser (NM_001407119.1, NM_001407120.1); c.242-5490T>C (NM_001035511.3); and 2 more; short protein forms L116S, L114S, L135S, L175S, L99S, L101S, L82S, L98S.
Identifiers: ClinVar variation 1737359 (VCV001737359.3), dbSNP rs2526538233, ClinGen allele CA343456775.

ClinVar aggregate classification (germline): Uncertain significance (1 of 4 stars; one submission).

Conditions:
Hereditary cancer-predisposing syndrome. Also called: Neoplastic Syndromes, Hereditary; Tumor predisposition; Hereditary Cancer Syndrome; Hereditary neoplastic syndrome. Identifiers: Orphanet 140162, MedGen C0027672, MeSH D009386, MONDO:0015356.

Submission:

Ambry Genetics
Classification: Uncertain significance for Hereditary cancer-predisposing syndrome. Last evaluated: 2024-08-13. Review status: criteria provided, single submitter. Criteria: Ambry Variant Classification Scheme 2023. Collection method: clinical testing. Allele origin: germline.
Comment: The p.L135S variant (also known as c.404T>C), located in coding exon 5 of the SDHC gene, results from a T to C substitution at nucleotide position 404. The leucine at codon 135 is replaced by serine, an amino acid with dissimilar properties. This amino acid position is highly conserved in available vertebrate species. In addition, this alteration is predicted to be deleterious by in silico analysis. Based on the available evidence, the clinical significance of this variant remains unclear.